The following is an entry in ClinVar:

ClinVar aggregate classification (germline): Pathogenic (1 of 4 stars; one submission).

Conditions:
BAP1-related tumor predisposition syndrome (TPDS1). Also called: Tumor susceptibility linked to germline BAP1 mutations; BAP1 tumor predisposition syndrome; COMMON Syndrome; TUMOR PREDISPOSITION SYNDROME 1. Identifiers: Orphanet 289539, MedGen C3280492, MONDO:0013692, OMIM 614327.

Submission:

Labcorp Genetics (formerly Invitae), Labcorp
Classification: Pathogenic for BAP1-related tumor predisposition syndrome. Last evaluated: 2025-12-28. Review status: criteria provided, single submitter. Criteria: Invitae Variant Classification Sherloc (09022015). Collection method: clinical testing. Allele origin: germline.
Comment: This sequence change creates a premature translational stop signal (p.Gly380Profs*13) in the BAP1 gene. It is expected to result in an absent or disrupted protein product. Loss-of-function variants in BAP1 are known to be pathogenic (PMID: 21874000, 23684012). This variant is not present in population databases (gnomAD no frequency). This variant has not been reported in the literature in individuals affected with BAP1-related conditions. For these reasons, this variant has been classified as Pathogenic.

Literature cited by the submitters: PubMed 21874000; PubMed 23684012.

NM_004656.4(BAP1):c.1138_1151del (p.Gly380fs)

Gene: BAP1 (BRCA1 associated deubiquitinase 1; minus strand). Cytogenetic location: 3p21.1.
Variant type: Deletion.
Coding change: c.1138_1151del on transcript NM_004656.4 (MANE Select); coding-DNA positions 1138 to 1151, 14 bases deleted (GGTGTGGGCCGCAG).
Protein change: p.Gly380fs; shifts the reading frame from glycine 380.
Molecular consequence: frameshift variant.
Genome position (GRCh38, 1-based): chr3:52,404,552-52,404,565, CTGCGGCCCACACC deleted on the plus strand (GGTGTGGGCCGCAG on the coding strand, the reverse complement: BAP1 is on the minus strand). VCF-style (leftmost placement, unchanged base first): chr3-52404551-GCTGCGGCCCACACC-G. GRCh37 (hg19) VCF-style: chr3-52438567-GCTGCGGCCCACACC-G.
Other names: c.1084_1097del, p.Gly362fs (NM_001410772.1); short protein forms G362fs, G380fs.
Identifiers: ClinVar variation 4734251 (VCV004734251.1).
Genomic context (GRCh38, chr3:52,404,551, plus strand): 5'-GTCATCCTCATAGTCATCCTCATCATCTGAGTACTGCTGGGGTGGGCGGACTGGAACTCG[GCTGCGGCCCACACC>G]TGCCGCCAGGTCTTCTTCCTCCTGGGACAAAGACCAGGGCAGTTACAAACAAGTGCTGCT-3'